The following is an entry in ClinVar:

ClinVar aggregate classification (germline): Uncertain significance (1 of 4 stars; one submission).

Conditions:
CHARGE syndrome (CHARGE). Also called: Hittner Hirsch Kreh syndrome; CHARGE ASSOCIATION--COLOBOMA, HEART ANOMALY, CHOANAL ATRESIA, RETARDATION, GENITAL AND EAR ANOMALIES; Coloboma, heart anomaly, choanal atresia, retardation, genital and ear anomalies; CHARGE association; Hall-Hittner syndrome. Identifiers: Orphanet 138, MedGen C0265354, MONDO:0008965.

Allele frequency attached by ClinVar (database versions not stated): gnomAD exomes below 0.00001; ExAC 0.00001; gnomAD 0.00001; TOPMed 0.00001.
gnomAD v4.1: 7 of 1,613,910 alleles (0.00043%); highest among the groups gnomAD compares: Non-Finnish European, 0.00059%; no homozygotes.

Submission:

Labcorp Genetics (formerly Invitae), Labcorp
Classification: Uncertain significance for CHARGE syndrome. Last evaluated: 2021-09-19. Review status: criteria provided, single submitter. Criteria: Invitae Variant Classification Sherloc (09022015). Collection method: clinical testing. Allele origin: germline.
Comment: This variant is present in population databases (rs755429625, ExAC 0.001%). In summary, the available evidence is currently insufficient to determine the role of this variant in disease. Therefore, it has been classified as a Variant of Uncertain Significance. Advanced modeling of protein sequence and biophysical properties (such as structural, functional, and spatial information, amino acid conservation, physicochemical variation, residue mobility, and thermodynamic stability) performed at Invitae indicates that this missense variant is not expected to disrupt CHD7 protein function. This variant has not been reported in the literature in individuals with CHD7-related conditions. This sequence change replaces isoleucine with valine at codon 1206 of the CHD7 protein (p.Ile1206Val). The isoleucine residue is highly conserved and there is a small physicochemical difference between isoleucine and valine.

NM_017780.4(CHD7):c.3616A>G (p.Ile1206Val)

Gene: CHD7 (chromodomain helicase DNA binding protein 7; plus strand). Cytogenetic location: 8q12.2.
Variant type: single nucleotide variant.
Coding change: c.3616A>G on transcript NM_017780.4 (MANE Select); coding-DNA position 3616, A replaced by G.
Protein change: p.Ile1206Val; replaces isoleucine 1206 with valine.
Molecular consequence: missense variant. On other transcripts: intron variant (1).
Genome position (GRCh38, 1-based): chr8:60,830,415, A>G. VCF-style: chr8-60830415-A-G. GRCh37 (hg19) VCF-style: chr8-61742974-A-G.
Other names: c.1717-31814A>G (NM_001316690.1); short protein forms I1206V.
Identifiers: ClinVar variation 1397730 (VCV001397730.8), dbSNP rs755429625, ClinGen allele CA4759992.
Genomic context (GRCh38, chr8:60,830,415, plus strand): 5'-ATGTTGAGACGTCTCAAAGAGGATGTAGAAAAGAACTTGGCCCCCAAAGAAGAAACTATT[A>G]TTGAAGTTGAGCTAACAAACATTCAGAAGAAATATTACCGAGCCATCCTTGAGAAGAATT-3'
Protein context (NP_060250.2, residues 1196-1216): KNLAPKEETI[Ile1206Val]EVELTNIQKK